The following is an entry in ClinVar:

NM_003722.5(TP63):c.1888T>C (p.Ser630Pro)

Gene: TP63 (tumor protein p63; plus strand). Cytogenetic location: 3q28.
Variant type: single nucleotide variant.
Coding change: c.1888T>C on transcript NM_003722.5 (MANE Select); coding-DNA position 1888, T replaced by C.
Protein change: p.Ser630Pro; replaces serine 630 with proline.
Molecular consequence: missense variant. On other transcripts: 3 prime UTR variant (6).
Genome position (GRCh38, 1-based): chr3:189,894,347, T>C. VCF-style: chr3-189894347-T-C. GRCh37 (hg19) VCF-style: chr3-189612136-T-C.
Other names: c.*126T>C (NM_001114978.2, NM_001114981.2); c.1606T>C, p.Ser536Pro (NM_001114980.2); c.*116T>C (NM_001329144.2, NM_001329145.2, NM_001329149.2 and 1 more transcripts); c.1351T>C, p.Ser451Pro (NM_001329146.2); c.1876T>C, p.Ser626Pro (NM_001329148.2); c.1882T>C, p.Ser628Pro (NM_001329964.2); short protein forms S626P, S451P, S628P, S536P, S630P.
Identifiers: ClinVar variation 1429341 (VCV001429341.7), dbSNP rs2108873954, ClinGen allele CA355751410.
Genomic context (GRCh38, chr3:189,894,347, plus strand): 5'-TTCTCCTCCCCTTCTCATCTCCTGCGGACCCCAAGCAGTGCCTCTACAGTCAGTGTGGGC[T>C]CCAGTGAGACCCGGGGTGAGCGTGTTATTGATGCTGTGCGATTCACCCTCCGCCAGACCA-3'
Protein context (NP_003713.3, residues 620-640): PSSASTVSVG[Ser630Pro]SETRGERVID

ClinVar aggregate classification (germline): Uncertain significance (1 of 4 stars; one submission).

Conditions:
TP63-Related Spectrum Disorders.

Submission:

Labcorp Genetics (formerly Invitae), Labcorp
Classification: Uncertain significance. Last evaluated: 2022-08-19. Review status: criteria provided, single submitter. Criteria: Invitae Variant Classification Sherloc (09022015). Collection method: clinical testing. Allele origin: germline.
Comment: This sequence change replaces serine, which is neutral and polar, with proline, which is neutral and non-polar, at codon 630 of the TP63 protein (p.Ser630Pro). ClinVar contains an entry for this variant (Variation ID: 1429341). In summary, the available evidence is currently insufficient to determine the role of this variant in disease. Therefore, it has been classified as a Variant of Uncertain Significance. Algorithms developed to predict the effect of missense changes on protein structure and function are either unavailable or do not agree on the potential impact of this missense change (SIFT: "Deleterious"; PolyPhen-2: "Possibly Damaging"; Align-GVGD: "Class C0"). This variant has not been reported in the literature in individuals affected with TP63-related conditions. This variant is not present in population databases (gnomAD no frequency).